The following is an entry in ClinVar:

ClinVar aggregate classification (germline): Conflicting classifications of pathogenicity. Review status: criteria provided, conflicting classifications (1 of 4 stars). 5 submissions from 5 submitters: Uncertain significance (4); Likely benign (1). Last evaluated 2026-02-24.

Conditions:
TTC21B-related disorder. Also called: TTC21B-related disorders; TTC21B-related condition.
Inborn genetic diseases. Identifiers: MedGen C0950123, MeSH D030342.
Nephronophthisis. Also called: Juvenile Nephronophthisis. Identifiers: Orphanet 655, MedGen C0687120, MONDO:0019005, HP:0000090.
Jeune thoracic dystrophy. Also called: Jeune syndrome; Infantile thoracic dystrophy; Thoracic pelvic phalangeal dystrophy; Jeune's syndrome; Chondroectodermal dysplasia-like syndrome; Short-rib thoracic dysplasia. Identifiers: Orphanet 474, MedGen C0265275, MONDO:0018770.
Nephronophthisis 12 (NPHP12). Identifiers: Orphanet 655, MedGen C3151186, MONDO:0013442, OMIM 613820.
Asphyxiating thoracic dystrophy 4 (SRTD4). Also called: SHORT-RIB THORACIC DYSPLASIA 4 WITH OR WITHOUT POLYDACTYLY; SHORT-RIB THORACIC DYSPLASIA 4. Identifiers: Orphanet 474, MedGen C3151185, MONDO:0013441, OMIM 613819.

Allele frequency attached by ClinVar (database versions not stated): gnomAD exomes 0.00005 and 0.00011; ESP Exome Variant Server 0.00008; gnomAD 0.00009; TOPMed 0.00009; ExAC 0.00012.
gnomAD v4.1: 91 of 1,613,906 alleles (0.0056%); highest among the groups gnomAD compares: South Asian, 0.015%; no homozygotes.

Submissions (5):

PreventionGenetics, part of Exact Sciences
Classification: Uncertain significance for TTC21B-related condition. Last evaluated: 2026-02-24. Review status: criteria provided, single submitter. Criteria: ACMG Guidelines, 2015. Collection method: clinical testing. Allele origin: germline.
Comment: The TTC21B c.1883G>A variant is predicted to result in the amino acid substitution p.Arg628His. This variant has been reported in an individual with cystic kidneys, liver cysts, kidney stones, and chronic kidney disease (Aypek et al. 2025. PubMedID: 41032671). This variant is reported in 0.020% of alleles in individuals of African descent in gnomAD. At this time, the clinical significance of this variant is uncertain due to the absence of conclusive functional and genetic evidence.

Labcorp Genetics (formerly Invitae), Labcorp
Classification: Likely benign for Jeune thoracic dystrophy; Nephronophthisis. Last evaluated: 2025-07-31. Review status: criteria provided, single submitter. Criteria: Invitae Variant Classification Sherloc (09022015). Collection method: clinical testing. Allele origin: germline.

Blueprint Genetics
Classification: Uncertain significance. Last evaluated: 2024-04-25. Review status: criteria provided, single submitter. Criteria: ACMG Guidelines, 2015. Collection method: clinical testing. Allele origin: germline.

Fulgent Genetics
Classification: Uncertain significance for Asphyxiating thoracic dystrophy 4; Nephronophthisis 12. Last evaluated: 2022-02-08. Review status: criteria provided, single submitter. Criteria: ACMG Guidelines, 2015. Collection method: clinical testing. Allele origin: unknown.

Ambry Genetics
Classification: Uncertain significance for Inborn genetic diseases. Last evaluated: 2021-08-13. Review status: criteria provided, single submitter. Criteria: Ambry Variant Classification Scheme 2023. Collection method: clinical testing. Allele origin: germline.

NM_024753.5(TTC21B):c.1883G>A (p.Arg628His)

Gene: TTC21B (tetratricopeptide repeat domain 21B; minus strand). Cytogenetic location: 2q24.3.
Variant type: single nucleotide variant.
Coding change: c.1883G>A on transcript NM_024753.5 (MANE Select); coding-DNA position 1883, G replaced by A.
Protein change: p.Arg628His; replaces arginine 628 with histidine.
Molecular consequence: missense variant.
Genome position (GRCh38, 1-based): chr2:165,917,273, C>T on the plus strand (G>A on the coding strand, the complement: TTC21B is on the minus strand). VCF-style: chr2-165917273-C-T. GRCh37 (hg19) VCF-style: chr2-166773783-C-T.
Other names: c.1883G>A (NM_024753.3, NM_024753.4); short protein forms R628H.
Identifiers: ClinVar variation 1063023 (VCV001063023.11), dbSNP rs139653847, ClinGen allele CA1941996.